The following is an entry in ClinVar:

NM_017617.5(NOTCH1):c.5167+189C>A

Gene: NOTCH1 (notch receptor 1; minus strand). Cytogenetic location: 9q34.3.
Variant type: single nucleotide variant.
Coding change: c.5167+189C>A on transcript NM_017617.5 (MANE Select); 189 bases into the intron after coding-DNA position 5167, C replaced by A.
Molecular consequence: intron variant.
Genome position (GRCh38, 1-based): chr9:136,502,993, G>T on the plus strand (C>A on the coding strand, the complement: NOTCH1 is on the minus strand). VCF-style: chr9-136502993-G-T. GRCh37 (hg19) VCF-style: chr9-139397445-G-T.
Other names: NC_000009.11:g.139397445G>T.
Identifiers: ClinVar variation 679857 (VCV000679857.3), dbSNP rs113377894, ClinGen allele CA5340400.

ClinVar aggregate classification (germline): Benign. Review status: criteria provided, multiple submitters, no conflicts (2 of 4 stars). 2 submissions from 2 submitters: Benign (2). Last evaluated 2018-06-14.

Allele frequency attached by ClinVar (database versions not stated): ExAC 0.00484; 1000 Genomes Project 0.02556; TOPMed 0.02794; 1000 Genomes Project 30x 0.02826.
gnomAD v4.1: 6,024 of 820,372 alleles (0.73%); highest among the groups gnomAD compares: African/African-American, 8.6%; 227 homozygotes.

Submissions (6):

GeneDx
Classification: Benign. Last evaluated: 2018-06-14. Review status: criteria provided, single submitter. Criteria: GeneDx Variant Classification (06012015). Collection method: clinical testing. Allele origin: germline. Affected: yes.
Comment: This variant is considered likely benign or benign based on one or more of the following criteria: it is a conservative change, it occurs at a poorly conserved position in the protein, it is predicted to be benign by multiple in silico algorithms, and/or has population frequency not consistent with disease.

Breakthrough Genomics
Classification: Benign. Review status: criteria provided, single submitter. Criteria: ACMG Guidelines, 2015. Collection method: not provided. Allele origin: germline. Inheritance: Autosomal dominant inheritance. Affected: yes.

Dr. Peter K. Rogan Lab, Western University
No classification provided (evidence only). Condition: Uterine corpus endometrial carcinoma. Review status: no classification provided. Collection method: in vitro. Allele origin: not applicable. Functional consequence: retained intron. Not counted in ClinVar's aggregate classification.

Dr. Peter K. Rogan Lab, Western University
No classification provided (evidence only). Condition: Uterine corpus endometrial carcinoma. Review status: no classification provided. Collection method: in vitro. Allele origin: not applicable. Functional consequence: retained intron. Not counted in ClinVar's aggregate classification.

Dr. Peter K. Rogan Lab, Western University
No classification provided (evidence only). Condition: Cervical cancer. Review status: no classification provided. Collection method: in vitro. Allele origin: not applicable. Functional consequence: retained intron. Not counted in ClinVar's aggregate classification.

Dr. Peter K. Rogan Lab, Western University
No classification provided (evidence only). Condition: Cervical cancer. Review status: no classification provided. Collection method: in vitro. Allele origin: not applicable. Functional consequence: retained intron. Not counted in ClinVar's aggregate classification.